The following is an entry in ClinVar:

NM_000371.4(TTR):c.193_194del (p.Ala65fs)

Gene: TTR (transthyretin; plus strand). Cytogenetic location: 18q12.1.
Variant type: Deletion.
Coding change: c.193_194del on transcript NM_000371.4 (MANE Select); coding-DNA positions 193 to 194, 2 bases deleted (GC; older notation c.193_194delGC).
Protein change: p.Ala65fs; shifts the reading frame from alanine 65.
Molecular consequence: frameshift variant.
Genome position (GRCh38, 1-based): chr18:31,593,019-31,593,020, GC deleted. VCF-style (leftmost placement, unchanged base first): chr18-31593018-TGC-T. GRCh37 (hg19) VCF-style: chr18-29172981-TGC-T.
Other names: p.Ala65Leufs*6; c.193_194delGC, p.Ala65Leufs (NM_000371.3); short protein forms A65fs.
Identifiers: ClinVar variation 2683454 (VCV002683454.1), dbSNP rs2510932420, ClinGen allele CA2697555399.

ClinVar aggregate classification (germline): Uncertain significance (1 of 4 stars; one submission).

Submission:

Mayo Clinic Laboratories, Mayo Clinic
Classification: Uncertain significance. Last evaluated: 2022-06-01. Review status: criteria provided, single submitter. Criteria: ACMG Guidelines, 2015. Collection method: clinical testing. Allele origin: germline. Observed: 1 variant allele.
Comment: PM2